The following is an entry in ClinVar:

NM_001166108.2(PALLD):c.1828A>T (p.Thr610Ser)

Gene: PALLD (palladin, cytoskeletal associated protein; plus strand). Cytogenetic location: 4q32.3.
Variant type: single nucleotide variant.
Coding change: c.1828A>T on transcript NM_001166108.2 (MANE Select); coding-DNA position 1828, A replaced by T.
Protein change: p.Thr610Ser; replaces threonine 610 with serine.
Molecular consequence: missense variant.
Genome position (GRCh38, 1-based): chr4:168,711,787, A>T. VCF-style: chr4-168711787-A-T. GRCh37 (hg19) VCF-style: chr4-169632938-A-T.
Other names: c.682A>T, p.Thr228Ser (NM_001166109.2); c.1828A>T, p.Thr610Ser (NM_016081.4); short protein forms T610S, T228S.
Identifiers: ClinVar variation 1780876 (VCV001780876.2), dbSNP rs1042980149, ClinGen allele CA110497322.

ClinVar aggregate classification (germline): Uncertain significance (1 of 4 stars; one submission).

Allele frequency attached by ClinVar (database versions not stated): gnomAD exomes below 0.00001.
gnomAD v4.1: 7 of 1,614,136 alleles (0.00043%); highest among the groups gnomAD compares: South Asian, 0.0055%; no homozygotes.

Submission:

Ambry Genetics
Classification: Uncertain significance. Last evaluated: 2021-10-14. Review status: criteria provided, single submitter. Criteria: Ambry Variant Classification Scheme 2023. Collection method: clinical testing. Allele origin: germline.
Comment: The p.T610S variant (also known as c.1828A>T), located in coding exon 9 of the PALLD gene, results from an A to T substitution at nucleotide position 1828. The threonine at codon 610 is replaced by serine, an amino acid with similar properties. This amino acid position is conserved. In addition, this alteration is predicted to be tolerated by in silico analysis. Since supporting evidence is limited at this time, the clinical significance of this alteration remains unclear.